The following is an entry in ClinVar:

ClinVar aggregate classification (germline): Uncertain significance (1 of 4 stars; one submission).

Conditions:
Dystonia 12 (DYT12). Also called: DYT-ATP1A3; Rapid-Onset Dystonia-Parkinsonism (RDP). Identifiers: Orphanet 71517, MedGen C1868681, MONDO:0007496, OMIM 128235.

gnomAD v4.1: 6 of 1,614,028 alleles (0.00037%); highest among the groups gnomAD compares: South Asian, 0.0066%; no homozygotes.

Submission:

Labcorp Genetics (formerly Invitae), Labcorp
Classification: Uncertain significance for Dystonia 12. Last evaluated: 2024-03-16. Review status: criteria provided, single submitter. Criteria: Invitae Variant Classification Sherloc (09022015). Collection method: clinical testing. Allele origin: germline.
Comment: This sequence change replaces serine, which is neutral and polar, with proline, which is neutral and non-polar, at codon 665 of the ATP1A3 protein (p.Ser665Pro). This variant is present in population databases (rs559009398, gnomAD 0.006%). This variant has not been reported in the literature in individuals affected with ATP1A3-related conditions. Advanced modeling of protein sequence and biophysical properties (such as structural, functional, and spatial information, amino acid conservation, physicochemical variation, residue mobility, and thermodynamic stability) performed at Invitae indicates that this missense variant is not expected to disrupt ATP1A3 protein function with a negative predictive value of 95%. In summary, the available evidence is currently insufficient to determine the role of this variant in disease. Therefore, it has been classified as a Variant of Uncertain Significance.

NM_152296.5(ATP1A3):c.1993T>C (p.Ser665Pro)

Gene: ATP1A3 (ATPase Na+/K+ transporting subunit alpha 3; minus strand). Cytogenetic location: 19q13.2.
Variant type: single nucleotide variant.
Coding change: c.1993T>C on transcript NM_152296.5 (MANE Select); coding-DNA position 1993, T replaced by C.
Protein change: p.Ser665Pro; replaces serine 665 with proline.
Molecular consequence: missense variant.
Genome position (GRCh38, 1-based): chr19:41,976,517, A>G on the plus strand (T>C on the coding strand, the complement: ATP1A3 is on the minus strand). VCF-style: chr19-41976517-A-G. GRCh37 (hg19) VCF-style: chr19-42480669-A-G.
Other names: c.2026T>C, p.Ser676Pro (NM_001256213.2); c.2032T>C, p.Ser678Pro (NM_001256214.2); short protein forms S665P, S676P, S678P.
Identifiers: ClinVar variation 3675589 (VCV003675589.2).